The following is an entry in ClinVar:

ClinVar aggregate classification (germline): Uncertain significance. Review status: criteria provided, multiple submitters, no conflicts (2 of 4 stars). 2 submissions from 2 submitters: Uncertain significance (2). Last evaluated 2024-01-30.

Conditions:
Imerslund-Grasbeck syndrome. Also called: PERNICIOUS ANEMIA, JUVENILE, DUE TO SELECTIVE INTESTINAL MALABSORPTION OF VITAMIN B12, WITH PROTEINURIA; Megaloblastic anemia due to inborn errors of metabolism; ENTEROCYTE COBALAMIN MALABSORPTION; ENTEROCYTE INTRINSIC FACTOR RECEPTOR, DEFECT OF; Imerslund-Gräsbeck syndrome. Identifiers: Orphanet 35858, MedGen C4551825, MONDO:0009853.
Proteinuria, chronic benign. Identifiers: MedGen C5394384, MONDO:0030042, OMIM 618884.
Imerslund-Grasbeck syndrome type 1 (IGS1). Also called: Imerslund-Gräsbeck syndrome 1; Megaloblastic anemia 1, Finnish type; MEGALOBLASTIC ANEMIA, 1. Identifiers: MedGen C4016819, MONDO:0100156, OMIM 261100.

Allele frequency attached by ClinVar (database versions not stated): ExAC 0.00002; gnomAD exomes below 0.00001 and 0.00002.
gnomAD v4.1: 6 of 1,613,558 alleles (0.00037%); highest among the groups gnomAD compares: Admixed American, 0.0067%; no homozygotes.

Submissions (2):

Fulgent Genetics
Classification: Uncertain significance for Imerslund-Grasbeck syndrome type 1; Proteinuria, chronic benign. Last evaluated: 2024-01-30. Review status: criteria provided, single submitter. Criteria: ACMG Guidelines, 2015. Collection method: clinical testing. Allele origin: germline.

Labcorp Genetics (formerly Invitae), Labcorp
Classification: Uncertain significance for Imerslund-Grasbeck syndrome. Last evaluated: 2021-09-10. Review status: criteria provided, single submitter. Criteria: Invitae Variant Classification Sherloc (09022015). Collection method: clinical testing. Allele origin: germline.
Comment: This sequence change replaces asparagine with serine at codon 3396 of the CUBN protein (p.Asn3396Ser). The asparagine residue is moderately conserved and there is a small physicochemical difference between asparagine and serine. This variant is present in population databases (rs780850360, ExAC 0.02%). This variant has not been reported in the literature in individuals affected with CUBN-related conditions. Algorithms developed to predict the effect of missense changes on protein structure and function output the following: SIFT: "Tolerated"; PolyPhen-2: "Benign"; Align-GVGD: "Class C0". The serine amino acid residue is found in multiple mammalian species, which suggests that this missense change does not adversely affect protein function. Algorithms developed to predict the effect of sequence changes on RNA splicing suggest that this variant may create or strengthen a splice site. In summary, the available evidence is currently insufficient to determine the role of this variant in disease. Therefore, it has been classified as a Variant of Uncertain Significance.

NM_001081.4(CUBN):c.10187A>G (p.Asn3396Ser)

Gene: CUBN (cubilin; minus strand). Cytogenetic location: 10p13.
Variant type: single nucleotide variant.
Coding change: c.10187A>G on transcript NM_001081.4 (MANE Select); coding-DNA position 10187, A replaced by G.
Protein change: p.Asn3396Ser; replaces asparagine 3396 with serine.
Molecular consequence: missense variant.
Genome position (GRCh38, 1-based): chr10:16,835,189, T>C on the plus strand (A>G on the coding strand, the complement: CUBN is on the minus strand). VCF-style: chr10-16835189-T-C. GRCh37 (hg19) VCF-style: chr10-16877188-T-C.
Other names: short protein forms N3396S.
Identifiers: ClinVar variation 1436635 (VCV001436635.7), dbSNP rs780850360, ClinGen allele CA5422443.
Genomic context (GRCh38, chr10:16,835,189, plus strand): 5'-TCGTAGTTATCTGGCCATCCAGGGCTTCTCAGGTTGCCAAATGCCTTGTGATAGTCTCTG[T>C]TGCAATCTTAGAGGAAAAATAGGCATAATTAATGTACGCATTCCAATATTTAGTGCTCTT-3'
Protein context (NP_001072.2, residues 3386-3406): MSFTYQIADC[Asn3396Ser]RDYHKAFGNL